The following is an entry in ClinVar:

ClinVar aggregate classification (germline): Uncertain significance (1 of 4 stars; one submission).

Conditions:
Familial adenomatous polyposis 1 (FAP1). Also called: FAMILIAL ADENOMATOUS POLYPOSIS 1, ATTENUATED; POLYPOSIS, ADENOMATOUS INTESTINAL. Identifiers: MedGen C2713442, MONDO:0021056, OMIM 175100. Disease mechanism: loss of function.

Submission:

Labcorp Genetics (formerly Invitae), Labcorp
Classification: Uncertain significance for Familial adenomatous polyposis 1. Last evaluated: 2025-08-13. Review status: criteria provided, single submitter. Criteria: Invitae Variant Classification Sherloc (09022015). Collection method: clinical testing. Allele origin: germline.
Comment: This variant occurs in a non-coding region of the APC gene. It does not change the encoded amino acid sequence of the APC protein. This variant is not present in population databases (gnomAD no frequency). This variant has not been reported in the literature in individuals affected with APC-related conditions. Experimental studies and prediction algorithms are not available or were not evaluated, and the functional significance of this variant is currently unknown. In summary, the available evidence is currently insufficient to determine the role of this variant in disease. Therefore, it has been classified as a Variant of Uncertain Significance.

NM_001127511.3(APC):c.-91G>A

Gene: APC (APC regulator of Wnt signaling pathway; plus strand). Cytogenetic location: 5q22.2.
Variant type: single nucleotide variant.
Coding change: c.-91G>A on transcript NM_001127511.3; 91 bases upstream of the start codon, G replaced by A.
Molecular consequence: 5 prime UTR variant. On other transcripts: non-coding transcript variant (2).
Genome position (GRCh38, 1-based): chr5:112,707,627, G>A. VCF-style: chr5-112707627-G-A. GRCh37 (hg19) VCF-style: chr5-112043324-G-A.
Other names: c.-274G>A (NM_001354895.2, NM_001407447.1, NM_001407452.1 and 3 more transcripts); c.-91G>A (NM_001354897.2, NM_001354902.2, NM_001407446.1); c.-41G>A (NM_001407448.1, NM_001407450.1, NM_001407457.1 and 1 more transcripts); c.-65G>A (NM_001407453.1); c.-1309G>A (NM_001407470.1, NM_001407472.1).
Identifiers: ClinVar variation 1053089 (VCV001053089.9), dbSNP rs1400212160, ClinGen allele CA2499217397.